The following is an entry in ClinVar:

ClinVar aggregate classification (germline): Pathogenic (1 of 4 stars; one submission).

Conditions:
Familial cancer of breast. Also called: BREAST CANCER, FAMILIAL; hereditary breast carcinoma; Hereditary breast cancer. Identifiers: Orphanet 227535, MedGen C0346153, MONDO:0016419, OMIM 114480. Disease mechanism: loss of function.

Submission:

Myriad Genetics, Inc.
Classification: Pathogenic for Familial cancer of breast. Last evaluated: 2023-06-05. Review status: criteria provided, single submitter. Criteria: Myriad Autosomal Dominant, Autosomal Recessive and X-Linked Classification Criteria (2023). Collection method: clinical testing. Allele origin: unknown.
Comment: This variant is considered pathogenic. This variant creates a frameshift predicted to result in premature protein truncation.

NM_032043.3(BRIP1):c.1770_1771delinsA (p.Asn590fs)

Gene: BRIP1 (BRCA1 interacting DNA helicase 1; minus strand). Cytogenetic location: 17q23.2.
Variant type: Indel.
Coding change: c.1770_1771delinsA on transcript NM_032043.3 (MANE Select); coding-DNA positions 1770 to 1771, CT replaced by A.
Protein change: p.Asn590fs; shifts the reading frame from asparagine 590.
Molecular consequence: frameshift variant.
Genome position (GRCh38, 1-based): chr17:61,780,863-61,780,864, AG replaced by T on the plus strand (CT replaced by A on the coding strand, the reverse complement: BRIP1 is on the minus strand). VCF-style: chr17-61780863-AG-T. GRCh37 (hg19) VCF-style: chr17-59858224-AG-T.
Other names: short protein forms N590fs.
Identifiers: ClinVar variation 2584331 (VCV002584331.2), dbSNP rs2545027187, ClinGen allele CA2582342275.